The following is an entry in ClinVar:

NM_020297.4(ABCC9):c.1913A>T (p.Gln638Leu)

Gene: ABCC9 (ATP binding cassette subfamily C member 9; minus strand). Cytogenetic location: 12p12.1.
Variant type: single nucleotide variant.
Coding change: c.1913A>T on transcript NM_020297.4 (MANE Select); coding-DNA position 1913, A replaced by T.
Protein change: p.Gln638Leu; replaces glutamine 638 with leucine.
Molecular consequence: missense variant.
Genome position (GRCh38, 1-based): chr12:21,882,872, T>A on the plus strand (A>T on the coding strand, the complement: ABCC9 is on the minus strand). VCF-style: chr12-21882872-T-A. GRCh37 (hg19) VCF-style: chr12-22035806-T-A.
Other names: c.1913A>T, p.Gln638Leu (NM_001377273.1, NM_005691.4); c.1049A>T, p.Gln350Leu (NM_001377274.1); short protein forms Q350L, Q638L.
Identifiers: ClinVar variation 2917912 (VCV002917912.3), dbSNP rs1316299513, ClinGen allele CA384135261.

ClinVar aggregate classification (germline): Uncertain significance (1 of 4 stars; one submission).

Conditions:
Dilated cardiomyopathy 1O (CMD1O). Also called: CARDIOMYOPATHY, DILATED, WITH VENTRICULAR TACHYCARDIA. Identifiers: Orphanet 154, MedGen C1837839, MONDO:0012062, OMIM 608569.

Allele frequency attached by ClinVar (database versions not stated): gnomAD exomes below 0.00001.
gnomAD v4.1: 2 of 1,612,390 alleles (0.00012%); highest among the groups gnomAD compares: Admixed American, 0.0017%; no homozygotes.

Submission:

Labcorp Genetics (formerly Invitae), Labcorp
Classification: Uncertain significance for Dilated cardiomyopathy 1O. Last evaluated: 2023-08-04. Review status: criteria provided, single submitter. Criteria: Invitae Variant Classification Sherloc (09022015). Collection method: clinical testing. Allele origin: germline.
Comment: This sequence change replaces glutamine, which is neutral and polar, with leucine, which is neutral and non-polar, at codon 638 of the ABCC9 protein (p.Gln638Leu). This variant is present in population databases (no rsID available, gnomAD 0.006%). This variant has not been reported in the literature in individuals affected with ABCC9-related conditions. An algorithm developed to predict the effect of missense changes on protein structure and function (PolyPhen-2) suggests that this variant is likely to be tolerated. Algorithms developed to predict the effect of sequence changes on RNA splicing suggest that this variant may disrupt the consensus splice site. In summary, the available evidence is currently insufficient to determine the role of this variant in disease. Therefore, it has been classified as a Variant of Uncertain Significance.